The following is an entry in ClinVar:

NM_001429.4(EP300):c.3729-3C>T

Gene: EP300 (EP300 lysine acetyltransferase; plus strand). Cytogenetic location: 22q13.2.
Variant type: single nucleotide variant.
Coding change: c.3729-3C>T on transcript NM_001429.4 (MANE Select); 3 bases into the intron before coding-DNA position 3729, C replaced by T.
Molecular consequence: intron variant.
Genome position (GRCh38, 1-based): chr22:41,164,050, C>T. VCF-style: chr22-41164050-C-T. GRCh37 (hg19) VCF-style: chr22-41560054-C-T.
Other names: c.3651-3C>T (NM_001362843.2).
Identifiers: ClinVar variation 4991594 (VCV004991594.1).

ClinVar aggregate classification (germline): Likely benign (1 of 4 stars; one submission).

Conditions:
EP300-related disorder. Also called: EP300-related condition; EP300-related disorders.

gnomAD v4.1: 7 of 1,614,046 alleles (0.00043%); highest among the groups gnomAD compares: Non-Finnish European, 0.00059%; no homozygotes.

Submission:

PreventionGenetics, part of Exact Sciences
Classification: Likely benign for EP300-related condition. Last evaluated: 2026-09-03. Review status: criteria provided, single submitter. Criteria: ACMG Guidelines, 2015. Collection method: clinical testing. Allele origin: germline.
Comment: This variant is classified as likely benign based on ACMG/AMP sequence variant interpretation guidelines (Richards et al. 2015 PMID: 25741868, with internal and published modifications).